The following is an entry in ClinVar:

NM_000478.6(ALPL):c.807C>G (p.Ile269Met)

Gene: ALPL (alkaline phosphatase, biomineralization associated; plus strand). Cytogenetic location: 1p36.12.
Variant type: single nucleotide variant.
Coding change: c.807C>G on transcript NM_000478.6 (MANE Select); coding-DNA position 807, C replaced by G.
Protein change: p.Ile269Met; replaces isoleucine 269 with methionine.
Molecular consequence: missense variant.
Genome position (GRCh38, 1-based): chr1:21,570,319, C>G. VCF-style: chr1-21570319-C-G. GRCh37 (hg19) VCF-style: chr1-21896812-C-G.
Other names: c.642C>G, p.Ile214Met (NM_001127501.4); c.576C>G, p.Ile192Met (NM_001177520.3); c.807C>G, p.Ile269Met (NM_001369803.2, NM_001369804.2, NM_001369805.2); short protein forms I192M, I214M, I269M.
Identifiers: ClinVar variation 4799864 (VCV004799864.1).

ClinVar aggregate classification (germline): Uncertain significance (1 of 4 stars; one submission).

Submission:

Labcorp Genetics (formerly Invitae), Labcorp
Classification: Uncertain significance. Last evaluated: 2025-10-17. Review status: criteria provided, single submitter. Criteria: Invitae Variant Classification Sherloc (09022015). Collection method: clinical testing. Allele origin: germline.
Comment: This sequence change replaces isoleucine, which is neutral and non-polar, with methionine, which is neutral and non-polar, at codon 269 of the ALPL protein (p.Ile269Met). This variant is not present in population databases (gnomAD no frequency). This variant has not been reported in the literature in individuals affected with ALPL-related conditions. Invitae Evidence Modeling of protein sequence and biophysical properties (such as structural, functional, and spatial information, amino acid conservation, physicochemical variation, residue mobility, and thermodynamic stability) indicates that this missense variant is expected to disrupt ALPL protein function with a positive predictive value of 95%. In summary, the available evidence is currently insufficient to determine the role of this variant in disease. Therefore, it has been classified as a Variant of Uncertain Significance.